The following is an entry in ClinVar:

NM_152722.5(HEPACAM):c.*1206T>A

Genes: HEPACAM (hepatic and glial cell adhesion molecule; minus strand), HEPN1 (hepatocellular carcinoma, down-regulated 1; plus strand). Cytogenetic location: 11q24.2.
Variant type: single nucleotide variant.
Coding change: c.*1206T>A on transcript NM_152722.5 (MANE Select); 1206 bases downstream of the stop codon, T replaced by A.
Molecular consequence: 3 prime UTR variant.
Genome position (GRCh38, 1-based): chr11:124,919,932, A>T on the plus strand (T>A on the coding strand, the complement: HEPACAM is on the minus strand). VCF-style: chr11-124919932-A-T. GRCh37 (hg19) VCF-style: chr11-124789828-A-T.
Identifiers: ClinVar variation 303297 (VCV000303297.6), dbSNP rs78859654, ClinGen allele CA6345503.

ClinVar aggregate classification (germline): Benign. Review status: criteria provided, multiple submitters, no conflicts (2 of 4 stars). 2 submissions from 2 submitters: Benign (2). Last evaluated 2018-01-13.

Conditions:
Megalencephalic leukoencephalopathy with subcortical cysts. Also called: VAN DER KNAAP DISEASE. Identifiers: Orphanet 2478, MedGen C1858854, MONDO:0011391.

Allele frequency attached by ClinVar (database versions not stated): 1000 Genomes Project 0.05831; ESP Exome Variant Server 0.07867; gnomAD exomes 0.08706 and 0.06847; TOPMed 0.06983; 1000 Genomes Project 30x 0.05778; ExAC 0.07094; gnomAD 0.07380 and 0.07422.
gnomAD v4.1: 138,369 of 1,613,728 alleles (8.6%); highest among the groups gnomAD compares: Non-Finnish European, 9.6%; 6,429 homozygotes.

Submissions (2):

Illumina Laboratory Services, Illumina
Classification: Benign for Megalencephalic leukoencephalopathy with subcortical cysts. Last evaluated: 2018-01-13. Review status: criteria provided, single submitter. Criteria: ICSL Variant Classification Criteria 13 December 2019. Collection method: clinical testing. Allele origin: germline.
Comment: This variant was observed in the ICSL laboratory as part of a predisposition screen in an ostensibly healthy population. It had not been previously curated by ICSL or reported in the Human Gene Mutation Database (HGMD: prior to June 1st, 2018), and was therefore a candidate for classification through an automated scoring system. Utilizing variant allele frequency, disease prevalence and penetrance estimates, and inheritance mode, an automated score was calculated to assess if this variant is too frequent to cause the disease. Based on the score and internal cut-off values, a variant classified as benign is not then subjected to further curation. The score for this variant resulted in a classification of benign for this disease.

Breakthrough Genomics
Classification: Benign. Review status: criteria provided, single submitter. Criteria: ACMG Guidelines, 2015. Collection method: not provided. Allele origin: germline. Inheritance: Autosomal recessive inheritance. Affected: yes.